The following is an entry in ClinVar:

NM_182916.3(TRNT1):c.263_266del (p.Gln88fs)

Gene: TRNT1 (tRNA nucleotidyl transferase 1; plus strand). Cytogenetic location: 3p26.2.
Variant type: Deletion.
Coding change: c.263_266del on transcript NM_182916.3 (MANE Select); coding-DNA positions 263 to 266, 4 bases deleted (AAAT; older notation c.263_266delAAAT).
Protein change: p.Gln88fs; shifts the reading frame from glutamine 88.
Molecular consequence: frameshift variant. On other transcripts: non-coding transcript variant (8).
Genome position (GRCh38, 1-based): chr3:3,137,374-3,137,377, AAAT deleted. VCF-style (leftmost placement, unchanged base first): chr3-3137373-CAAAT-C. GRCh37 (hg19) VCF-style: chr3-3179057-CAAAT-C.
Other names: c.263_266del, p.Gln88fs (NM_001302946.2, NM_001367321.1, NM_001367322.1 and 1 more transcripts); short protein forms Q88fs.
Identifiers: ClinVar variation 1447899 (VCV001447899.7), dbSNP rs772722561, ClinGen allele CA2228589.

ClinVar aggregate classification (germline): Pathogenic. Review status: criteria provided, single submitter (1 of 4 stars). 2 submissions from 2 submitters: Pathogenic (1). 1 of the submissions does not count toward it. Last evaluated 2025-03-13.

Conditions:
Congenital sideroblastic anemia-B-cell immunodeficiency-periodic fever-developmental delay syndrome. Also called: Sideroblastic anemia with B-cell immunodeficiency, periodic fevers, and developmental delay. Identifiers: Orphanet 369861, MedGen C4015172, MONDO:0014487, OMIM 616084.
Retinal dystrophy. Also called: Inherited retinal dystrophy. Identifiers: Orphanet 71862, MedGen C0854723, MeSH D058499, MONDO:0019118, HP:0000556.

Allele frequency attached by ClinVar (database versions not stated): gnomAD exomes below 0.00001 and 0.00001; ExAC 0.00001; TOPMed 0.00001.

Submissions (2):

Labcorp Genetics (formerly Invitae), Labcorp
Classification: Pathogenic for Congenital sideroblastic anemia-B-cell immunodeficiency-periodic fever-developmental delay syndrome. Last evaluated: 2025-03-13. Review status: criteria provided, single submitter. Criteria: Invitae Variant Classification Sherloc (09022015). Collection method: clinical testing. Allele origin: germline.
Comment: This sequence change creates a premature translational stop signal (p.Gln88Argfs*12) in the TRNT1 gene. It is expected to result in an absent or disrupted protein product. Loss-of-function variants in TRNT1 are known to be pathogenic (PMID: 25193871). This variant is present in population databases (rs772722561, gnomAD 0.003%). This variant has not been reported in the literature in individuals affected with TRNT1-related conditions. ClinVar contains an entry for this variant (Variation ID: 1447899). For these reasons, this variant has been classified as Pathogenic.

Institute of Human Genetics, Univ. Regensburg, Univ. Regensburg
Classification: Pathogenic for Retinal dystrophy. Last evaluated: 2022-01-01. Review status: no assertion criteria provided. Criteria: ACMG Guidelines, 2015. Collection method: clinical testing. Allele origin: germline. Affected: yes. Not counted in ClinVar's aggregate classification.

Literature cited by the submitters: PubMed 25193871 (cited by Labcorp Genetics (formerly Invitae), Labcorp).